The following is an entry in ClinVar:

NM_172107.4(KCNQ2):c.2500A>G (p.Ile834Val)

Gene: KCNQ2 (potassium voltage-gated channel subfamily Q member 2; minus strand). Cytogenetic location: 20q13.33.
Variant type: single nucleotide variant.
Coding change: c.2500A>G on transcript NM_172107.4 (MANE Select); coding-DNA position 2500, A replaced by G.
Protein change: p.Ile834Val; replaces isoleucine 834 with valine.
Molecular consequence: missense variant.
Genome position (GRCh38, 1-based): chr20:63,406,763, T>C on the plus strand (A>G on the coding strand, the complement: KCNQ2 is on the minus strand). VCF-style: chr20-63406763-T-C. GRCh37 (hg19) VCF-style: chr20-62038116-T-C.
Other names: c.2416A>G, p.Ile806Val (NM_004518.6); c.2446A>G, p.Ile816Val (NM_172106.3); c.2407A>G, p.Ile803Val (NM_172108.5); short protein forms I834V, I806V, I803V, I816V.
Identifiers: ClinVar variation 502110 (VCV000502110.17), dbSNP rs1555850289, ClinGen allele CA409636810.

ClinVar aggregate classification (germline): Uncertain significance. Review status: criteria provided, multiple submitters, no conflicts (2 of 4 stars). 3 submissions from 3 submitters: Uncertain significance (3). Last evaluated 2026-01-18.

Conditions:
Early-infantile DEE. Also called: Ohtahara syndrome; Early infantile epileptic encephalopathy; Early infantile epileptic encephalopathy with suppression bursts. Identifiers: Orphanet 1934, MedGen C0393706, MONDO:0800491.

Allele frequency attached by ClinVar (database versions not stated): gnomAD exomes below 0.00001.
gnomAD v4.1: 3 of 1,612,406 alleles (0.00019%); highest among the groups gnomAD compares: Non-Finnish European, 0.00025%; no homozygotes.

Submissions (3):

Labcorp Genetics (formerly Invitae), Labcorp
Classification: Uncertain significance for Early-infantile DEE. Last evaluated: 2026-01-18. Review status: criteria provided, single submitter. Criteria: Invitae Variant Classification Sherloc (09022015). Collection method: clinical testing. Allele origin: germline.
Comment: This sequence change replaces isoleucine, which is neutral and non-polar, with valine, which is neutral and non-polar, at codon 834 of the KCNQ2 protein (p.Ile834Val). This variant is not present in population databases (gnomAD no frequency). This variant has not been reported in the literature in individuals affected with KCNQ2-related conditions. ClinVar contains an entry for this variant (Variation ID: 502110). Invitae Evidence Modeling of protein sequence and biophysical properties (such as structural, functional, and spatial information, amino acid conservation, physicochemical variation, residue mobility, and thermodynamic stability) indicates that this missense variant is not expected to disrupt KCNQ2 protein function with a negative predictive value of 95%. In summary, the available evidence is currently insufficient to determine the role of this variant in disease. Therefore, it has been classified as a Variant of Uncertain Significance.

GeneDx
Classification: Uncertain significance. Last evaluated: 2022-12-07. Review status: criteria provided, single submitter. Criteria: GeneDx Variant Classification Process June 2021. Collection method: clinical testing. Allele origin: germline. Affected: yes.
Comment: Not observed at significant frequency in large population cohorts (gnomAD); In silico analysis supports that this missense variant does not alter protein structure/function; Missense variants in this gene are often considered pathogenic (HGMD); This substitution is predicted to be within the C-terminal cytoplasmic domain; Has not been previously published as pathogenic or benign to our knowledge

Eurofins Ntd Llc (ga)
Classification: Uncertain significance. Last evaluated: 2017-06-02. Review status: criteria provided, single submitter. Criteria: EGL Classification Definitions 2015. Collection method: clinical testing. Allele origin: germline. Observed: 1 variant allele, 1 heterozygote.